The following is an entry in ClinVar:

ClinVar aggregate classification (germline): Uncertain significance (1 of 4 stars; one submission).

gnomAD v4.1: 1 of 1,614,060 alleles (0.000062%); highest among the groups gnomAD compares: Non-Finnish European, 0.000085%; no homozygotes.

Submission:

GeneDx
Classification: Uncertain significance. Last evaluated: 2024-03-05. Review status: criteria provided, single submitter. Criteria: GeneDx Variant Classification Process June 2021. Collection method: clinical testing. Allele origin: germline. Affected: yes.
Comment: Not observed at significant frequency in large population cohorts (gnomAD); In silico analysis supports that this missense variant has a deleterious effect on protein structure/function; Has not been previously published as pathogenic or benign to our knowledge

NM_001007553.3(CSDE1):c.50C>A (p.Pro17His)

Gene: CSDE1 (cold shock domain containing E1; minus strand). Cytogenetic location: 1p13.2.
Variant type: single nucleotide variant.
Coding change: c.50C>A on transcript NM_001007553.3 (MANE Select); coding-DNA position 50, C replaced by A.
Protein change: p.Pro17His; replaces proline 17 with histidine.
Molecular consequence: missense variant.
Genome position (GRCh38, 1-based): chr1:114,739,841, G>T on the plus strand (C>A on the coding strand, the complement: CSDE1 is on the minus strand). VCF-style: chr1-114739841-G-T. GRCh37 (hg19) VCF-style: chr1-115282462-G-T.
Other names: c.188C>A, p.Pro63His (NM_001130523.3, NM_001242891.2); c.50C>A, p.Pro17His (NM_001242892.2, NM_001242893.2, NM_007158.6); short protein forms P17H, P63H.
Identifiers: ClinVar variation 3370529 (VCV003370529.1).